The following continues an entry in ClinVar:

NM_015602.4(TOR1AIP1):c.964+1G>A

Gene: TOR1AIP1. ClinVar aggregate classification (germline): Benign/Likely benign. Benign (3); Likely benign (2).

Submissions 33 to 67 of 67:

Dr. Peter K. Rogan Lab, Western University
No classification provided (evidence only). Condition: Hepatocellular carcinoma. Review status: no classification provided. Collection method: in vitro. Allele origin: not applicable. Functional consequence: skipped exon. Not counted in ClinVar's aggregate classification.

Dr. Peter K. Rogan Lab, Western University
No classification provided (evidence only). Condition: Hepatocellular carcinoma. Review status: no classification provided. Collection method: in vitro. Allele origin: not applicable. Functional consequence: skipped exon, retained intron. Not counted in ClinVar's aggregate classification.

Dr. Peter K. Rogan Lab, Western University
No classification provided (evidence only). Condition: Hepatocellular carcinoma. Review status: no classification provided. Collection method: in vitro. Allele origin: not applicable. Functional consequence: skipped exon. Not counted in ClinVar's aggregate classification.

Dr. Peter K. Rogan Lab, Western University
No classification provided (evidence only). Condition: Hepatocellular carcinoma. Review status: no classification provided. Collection method: in vitro. Allele origin: not applicable. Functional consequence: skipped exon. Not counted in ClinVar's aggregate classification.

Dr. Peter K. Rogan Lab, Western University
No classification provided (evidence only). Condition: Hepatocellular carcinoma. Review status: no classification provided. Collection method: in vitro. Allele origin: not applicable. Functional consequence: skipped exon. Not counted in ClinVar's aggregate classification.

Dr. Peter K. Rogan Lab, Western University
No classification provided (evidence only). Condition: Hepatocellular carcinoma. Review status: no classification provided. Collection method: in vitro. Allele origin: not applicable. Functional consequence: skipped exon. Not counted in ClinVar's aggregate classification.

Dr. Peter K. Rogan Lab, Western University
No classification provided (evidence only). Condition: Cholangiocarcinoma. Review status: no classification provided. Collection method: in vitro. Allele origin: not applicable. Functional consequence: skipped exon. Not counted in ClinVar's aggregate classification.

Dr. Peter K. Rogan Lab, Western University
No classification provided (evidence only). Condition: Gastric cancer. Review status: no classification provided. Collection method: in vitro. Allele origin: not applicable. Functional consequence: skipped exon, retained intron. Not counted in ClinVar's aggregate classification.

Dr. Peter K. Rogan Lab, Western University
No classification provided (evidence only). Condition: Gastric cancer. Review status: no classification provided. Collection method: in vitro. Allele origin: not applicable. Functional consequence: skipped exon, retained intron. Not counted in ClinVar's aggregate classification.

Dr. Peter K. Rogan Lab, Western University
No classification provided (evidence only). Condition: Gastric cancer. Review status: no classification provided. Collection method: in vitro. Allele origin: not applicable. Functional consequence: skipped exon, retained intron. Not counted in ClinVar's aggregate classification.

Dr. Peter K. Rogan Lab, Western University
No classification provided (evidence only). Condition: Gastric cancer. Review status: no classification provided. Collection method: in vitro. Allele origin: not applicable. Functional consequence: skipped exon. Not counted in ClinVar's aggregate classification.

Dr. Peter K. Rogan Lab, Western University
No classification provided (evidence only). Condition: Gastric cancer. Review status: no classification provided. Collection method: in vitro. Allele origin: not applicable. Functional consequence: skipped exon. Not counted in ClinVar's aggregate classification.

Dr. Peter K. Rogan Lab, Western University
No classification provided (evidence only). Condition: Gastric cancer. Review status: no classification provided. Collection method: in vitro. Allele origin: not applicable. Functional consequence: skipped exon, retained intron. Not counted in ClinVar's aggregate classification.

Dr. Peter K. Rogan Lab, Western University
No classification provided (evidence only). Condition: Gastric cancer. Review status: no classification provided. Collection method: in vitro. Allele origin: not applicable. Functional consequence: skipped exon. Not counted in ClinVar's aggregate classification.

Dr. Peter K. Rogan Lab, Western University
No classification provided (evidence only). Condition: Gastric cancer. Review status: no classification provided. Collection method: in vitro. Allele origin: not applicable. Functional consequence: skipped exon, retained intron. Not counted in ClinVar's aggregate classification.

Dr. Peter K. Rogan Lab, Western University
No classification provided (evidence only). Condition: Gastric cancer. Review status: no classification provided. Collection method: in vitro. Allele origin: not applicable. Functional consequence: skipped exon, retained intron. Not counted in ClinVar's aggregate classification.

Dr. Peter K. Rogan Lab, Western University
No classification provided (evidence only). Condition: Adrenocortical carcinoma, hereditary. Review status: no classification provided. Collection method: in vitro. Allele origin: not applicable. Functional consequence: skipped exon, retained intron. Not counted in ClinVar's aggregate classification.

Dr. Peter K. Rogan Lab, Western University
No classification provided (evidence only). Condition: Uterine carcinosarcoma. Review status: no classification provided. Collection method: in vitro. Allele origin: not applicable. Functional consequence: skipped exon. Not counted in ClinVar's aggregate classification.

Dr. Peter K. Rogan Lab, Western University
No classification provided (evidence only). Condition: Malignant tumor of esophagus. Review status: no classification provided. Collection method: in vitro. Allele origin: not applicable. Functional consequence: skipped exon. Not counted in ClinVar's aggregate classification.

Dr. Peter K. Rogan Lab, Western University
No classification provided (evidence only). Condition: Malignant tumor of esophagus. Review status: no classification provided. Collection method: in vitro. Allele origin: not applicable. Functional consequence: skipped exon, retained intron. Not counted in ClinVar's aggregate classification.

Dr. Peter K. Rogan Lab, Western University
No classification provided (evidence only). Condition: Familial pancreatic carcinoma. Review status: no classification provided. Collection method: in vitro. Allele origin: not applicable. Functional consequence: skipped exon. Not counted in ClinVar's aggregate classification.

Dr. Peter K. Rogan Lab, Western University
No classification provided (evidence only). Condition: Hepatocellular carcinoma. Review status: no classification provided. Collection method: in vitro. Allele origin: not applicable. Functional consequence: skipped exon, retained intron. Not counted in ClinVar's aggregate classification.

Dr. Peter K. Rogan Lab, Western University
No classification provided (evidence only). Condition: Hepatocellular carcinoma. Review status: no classification provided. Collection method: in vitro. Allele origin: not applicable. Functional consequence: skipped exon. Not counted in ClinVar's aggregate classification.

Dr. Peter K. Rogan Lab, Western University
No classification provided (evidence only). Condition: Hepatocellular carcinoma. Review status: no classification provided. Collection method: in vitro. Allele origin: not applicable. Functional consequence: skipped exon. Not counted in ClinVar's aggregate classification.

Dr. Peter K. Rogan Lab, Western University
No classification provided (evidence only). Condition: Hepatocellular carcinoma. Review status: no classification provided. Collection method: in vitro. Allele origin: not applicable. Functional consequence: skipped exon. Not counted in ClinVar's aggregate classification.

Dr. Peter K. Rogan Lab, Western University
No classification provided (evidence only). Condition: Hepatocellular carcinoma. Review status: no classification provided. Collection method: in vitro. Allele origin: not applicable. Functional consequence: skipped exon. Not counted in ClinVar's aggregate classification.

Dr. Peter K. Rogan Lab, Western University
No classification provided (evidence only). Condition: Hepatocellular carcinoma. Review status: no classification provided. Collection method: in vitro. Allele origin: not applicable. Functional consequence: skipped exon. Not counted in ClinVar's aggregate classification.

Dr. Peter K. Rogan Lab, Western University
No classification provided (evidence only). Condition: Hepatocellular carcinoma. Review status: no classification provided. Collection method: in vitro. Allele origin: not applicable. Functional consequence: skipped exon. Not counted in ClinVar's aggregate classification.

Dr. Peter K. Rogan Lab, Western University
No classification provided (evidence only). Condition: Hepatocellular carcinoma. Review status: no classification provided. Collection method: in vitro. Allele origin: not applicable. Functional consequence: skipped exon. Not counted in ClinVar's aggregate classification.

Dr. Peter K. Rogan Lab, Western University
No classification provided (evidence only). Condition: Malignant tumor of urinary bladder. Review status: no classification provided. Collection method: in vitro. Allele origin: not applicable. Functional consequence: skipped exon. Not counted in ClinVar's aggregate classification.

Dr. Peter K. Rogan Lab, Western University
No classification provided (evidence only). Condition: Hepatocellular carcinoma. Review status: no classification provided. Collection method: in vitro. Allele origin: not applicable. Functional consequence: skipped exon. Not counted in ClinVar's aggregate classification.

Dr. Peter K. Rogan Lab, Western University
No classification provided (evidence only). Condition: Hepatocellular carcinoma. Review status: no classification provided. Collection method: in vitro. Allele origin: not applicable. Functional consequence: skipped exon. Not counted in ClinVar's aggregate classification.

Dr. Peter K. Rogan Lab, Western University
No classification provided (evidence only). Condition: Hepatocellular carcinoma. Review status: no classification provided. Collection method: in vitro. Allele origin: not applicable. Functional consequence: skipped exon. Not counted in ClinVar's aggregate classification.

Dr. Peter K. Rogan Lab, Western University
No classification provided (evidence only). Condition: Hepatocellular carcinoma. Review status: no classification provided. Collection method: in vitro. Allele origin: not applicable. Functional consequence: skipped exon. Not counted in ClinVar's aggregate classification.

Dr. Peter K. Rogan Lab, Western University
No classification provided (evidence only). Condition: Ovarian cancer. Review status: no classification provided. Collection method: in vitro. Allele origin: not applicable. Functional consequence: skipped exon, retained intron. Not counted in ClinVar's aggregate classification.

Literature cited by the submitters: PubMed 35387801 (cited by Mayo Clinic Laboratories, Mayo Clinic).